The following is an entry in ClinVar:

ClinVar aggregate classification (germline): Conflicting classifications of pathogenicity. Review status: criteria provided, conflicting classifications (1 of 4 stars). 2 submissions from 2 submitters: Uncertain significance (1); Likely benign (1). Last evaluated 2025-01-27.

Allele frequency attached by ClinVar (database versions not stated): gnomAD exomes 0.00001 and 0.00003; ESP Exome Variant Server 0.00008.
gnomAD v4.1: 15 of 1,613,952 alleles (0.00093%); highest among the groups gnomAD compares: East Asian, 0.0022%; no homozygotes.

Submissions (2):

Labcorp Genetics (formerly Invitae), Labcorp
Classification: Uncertain significance. Last evaluated: 2025-01-27. Review status: criteria provided, single submitter. Criteria: Invitae Variant Classification Sherloc (09022015). Collection method: clinical testing. Allele origin: germline.
Comment: This sequence change replaces proline, which is neutral and non-polar, with leucine, which is neutral and non-polar, at codon 1314 of the KMT2A protein (p.Pro1314Leu). This variant is present in population databases (rs150277124, gnomAD 0.006%). This variant has not been reported in the literature in individuals affected with KMT2A-related conditions. ClinVar contains an entry for this variant (Variation ID: 1219727). Invitae Evidence Modeling of protein sequence and biophysical properties (such as structural, functional, and spatial information, amino acid conservation, physicochemical variation, residue mobility, and thermodynamic stability) has been performed for this missense variant. However, the output from this modeling did not meet the statistical confidence thresholds required to predict the impact of this variant on KMT2A protein function. In summary, the available evidence is currently insufficient to determine the role of this variant in disease. Therefore, it has been classified as a Variant of Uncertain Significance.

GeneDx
Classification: Likely benign. Last evaluated: 2020-08-25. Review status: criteria provided, single submitter. Criteria: GeneDx Variant Classification Process June 2021. Collection method: clinical testing. Allele origin: germline. Affected: yes.
Comment: In silico analysis, which includes protein predictors and evolutionary conservation, supports a deleterious effect; Has not been previously published as pathogenic or benign to our knowledge

NM_001197104.2(KMT2A):c.3941C>T (p.Pro1314Leu)

Gene: KMT2A (lysine methyltransferase 2A; plus strand). Cytogenetic location: 11q23.3.
Variant type: single nucleotide variant.
Coding change: c.3941C>T on transcript NM_001197104.2 (MANE Select); coding-DNA position 3941, C replaced by T.
Protein change: p.Pro1314Leu; replaces proline 1314 with leucine.
Molecular consequence: missense variant.
Genome position (GRCh38, 1-based): chr11:118,482,021, C>T. VCF-style: chr11-118482021-C-T. GRCh37 (hg19) VCF-style: chr11-118352736-C-T.
Other names: c.3941C>T, p.Pro1314Leu (NM_005933.4); short protein forms P1314L.
Identifiers: ClinVar variation 1219727 (VCV001219727.9), dbSNP rs150277124, ClinGen allele CA6303749.